The following is an entry in ClinVar:

ClinVar aggregate classification (germline): Uncertain significance. Review status: criteria provided, multiple submitters, no conflicts (2 of 4 stars). 3 submissions from 3 submitters: Uncertain significance (3). Last evaluated 2025-08-27.

Conditions:
Retinitis pigmentosa-hearing loss-premature aging-short stature-facial dysmorphism syndrome. Also called: Short stature, hearing loss, retinitis pigmentosa, and distinctive facies. Identifiers: Orphanet 494439, MedGen C4540367, MONDO:0044634, OMIM 617763.

Allele frequency attached by ClinVar (database versions not stated): ExAC 0.00009; gnomAD 0.00009; TOPMed 0.00009; gnomAD exomes 0.00010 and 0.00012; ESP Exome Variant Server 0.00015.
gnomAD v4.1: 190 of 1,614,080 alleles (0.012%); highest among the groups gnomAD compares: Non-Finnish European, 0.016%; 1 homozygote.

Submissions (3):

Ambry Genetics
Classification: Uncertain significance. Last evaluated: 2025-08-27. Review status: criteria provided, single submitter. Criteria: Ambry Variant Classification Scheme 2023. Collection method: clinical testing. Allele origin: germline.

Blueprint Genetics
Classification: Uncertain significance. Last evaluated: 2023-04-12. Review status: criteria provided, single submitter. Criteria: ACMG Guidelines, 2015. Collection method: clinical testing. Allele origin: germline.

Labcorp Genetics (formerly Invitae), Labcorp
Classification: Uncertain significance. Last evaluated: 2022-08-02. Review status: criteria provided, single submitter. Criteria: Invitae Variant Classification Sherloc (09022015). Collection method: clinical testing. Allele origin: germline.
Comment: This sequence change replaces lysine, which is basic and polar, with asparagine, which is neutral and polar, at codon 65 of the EXOSC2 protein (p.Lys65Asn). This variant is present in population databases (rs199841784, gnomAD 0.02%). This variant has not been reported in the literature in individuals affected with EXOSC2-related conditions. ClinVar contains an entry for this variant (Variation ID: 835783). Algorithms developed to predict the effect of missense changes on protein structure and function are either unavailable or do not agree on the potential impact of this missense change (SIFT: "Deleterious"; PolyPhen-2: "Benign"; Align-GVGD: "Class C35"). In summary, the available evidence is currently insufficient to determine the role of this variant in disease. Therefore, it has been classified as a Variant of Uncertain Significance.

NM_014285.7(EXOSC2):c.195G>T (p.Lys65Asn)

Gene: EXOSC2 (exosome component 2; plus strand). Cytogenetic location: 9q34.12.
Variant type: single nucleotide variant.
Coding change: c.195G>T on transcript NM_014285.7 (MANE Select); coding-DNA position 195, G replaced by T.
Protein change: p.Lys65Asn; replaces lysine 65 with asparagine.
Molecular consequence: missense variant. On other transcripts: non-coding transcript variant (1).
Genome position (GRCh38, 1-based): chr9:130,695,564, G>T. VCF-style: chr9-130695564-G-T. GRCh37 (hg19) VCF-style: chr9-133570951-G-T.
Other names: c.195G>T (NM_014285.5); c.195G>T, p.Lys65Asn (NM_001282708.1, NM_001282709.1); short protein forms K65N.
Identifiers: ClinVar variation 835783 (VCV000835783.8), dbSNP rs199841784, ClinGen allele CA5284770.